The following is an entry in ClinVar:

ClinVar aggregate classification (germline): Uncertain significance (1 of 4 stars; one submission).

Conditions:
Hereditary cancer-predisposing syndrome. Also called: Tumor predisposition; Hereditary Cancer Syndrome; Hereditary neoplastic syndrome; Neoplastic Syndromes, Hereditary. Identifiers: Orphanet 140162, MedGen C0027672, MeSH D009386, MONDO:0015356.

Submission:

Ambry Genetics
Classification: Uncertain significance for Hereditary cancer-predisposing syndrome. Last evaluated: 2026-05-08. Review status: criteria provided, single submitter. Criteria: Ambry Variant Classification Scheme 2023. Collection method: clinical testing. Allele origin: germline.
Comment: The p.L448H variant (also known as c.1343T>A), located in coding exon 14 of the RB1 gene, results from a T to A substitution at nucleotide position 1343. The leucine at codon 448 is replaced by histidine, an amino acid with similar properties. This amino acid position is highly conserved in available vertebrate species. In addition, this alteration is predicted to be deleterious by in silico analysis. Based on the available evidence, the clinical significance of this variant remains unclear.

NM_000321.3(RB1):c.1343T>A (p.Leu448His)

Gene: RB1 (RB transcriptional corepressor 1; plus strand). Cytogenetic location: 13q14.2.
Variant type: single nucleotide variant.
Coding change: c.1343T>A on transcript NM_000321.3 (MANE Select); coding-DNA position 1343, T replaced by A.
Protein change: p.Leu448His; replaces leucine 448 with histidine.
Molecular consequence: missense variant.
Genome position (GRCh38, 1-based): chr13:48,379,604, T>A. VCF-style: chr13-48379604-T-A. GRCh37 (hg19) VCF-style: chr13-48953740-T-A.
Other names: c.1343T>A, p.Leu448His (NM_001407165.1, NM_001407166.1); short protein forms L448H.
Identifiers: ClinVar variation 2450510 (VCV002450510.3), dbSNP rs2138140821, ClinGen allele CA388162553.